The following is an entry in ClinVar:

ClinVar aggregate classification (germline): Uncertain significance (1 of 4 stars; one submission).

Conditions:
Early-infantile DEE. Also called: Early infantile epileptic encephalopathy with suppression bursts; Early infantile epileptic encephalopathy; Ohtahara syndrome. Identifiers: Orphanet 1934, MedGen C0393706, MONDO:0800491.

Submission:

Labcorp Genetics (formerly Invitae), Labcorp
Classification: Uncertain significance for Early-infantile DEE. Last evaluated: 2024-07-01. Review status: criteria provided, single submitter. Criteria: Invitae Variant Classification Sherloc (09022015). Collection method: clinical testing. Allele origin: germline.
Comment: This sequence change replaces glutamic acid, which is acidic and polar, with aspartic acid, which is acidic and polar, at codon 1810 of the SCN1A protein (p.Glu1810Asp). This variant is not present in population databases (gnomAD no frequency). This variant has not been reported in the literature in individuals affected with SCN1A-related conditions. Advanced modeling of protein sequence and biophysical properties (such as structural, functional, and spatial information, amino acid conservation, physicochemical variation, residue mobility, and thermodynamic stability) performed at Invitae indicates that this missense variant is expected to disrupt SCN1A protein function with a positive predictive value of 95%. In summary, the available evidence is currently insufficient to determine the role of this variant in disease. Therefore, it has been classified as a Variant of Uncertain Significance.

NM_001165963.4(SCN1A):c.5430G>T (p.Glu1810Asp)

Genes: SCN1A (sodium voltage-gated channel alpha subunit 1; minus strand), LOC102724058 (uncharacterized LOC102724058; plus strand). Cytogenetic location: 2q24.3.
Variant type: single nucleotide variant.
Coding change: c.5430G>T on transcript NM_001165963.4 (MANE Select); coding-DNA position 5430, G replaced by T.
Protein change: p.Glu1810Asp; replaces glutamic acid 1810 with aspartic acid.
Molecular consequence: missense variant. On other transcripts: non-coding transcript variant (1).
Genome position (GRCh38, 1-based): chr2:165,991,845, C>A on the plus strand (G>T on the coding strand, the complement: SCN1A is on the minus strand). VCF-style: chr2-165991845-C-A. GRCh37 (hg19) VCF-style: chr2-166848355-C-A.
Other names: c.5346G>T, p.Glu1782Asp (NM_001353957.2, NM_001353958.2, NM_001165964.3); c.5343G>T, p.Glu1781Asp (NM_001353960.2); c.2988G>T, p.Glu996Asp (NM_001353961.2); c.5397G>T, p.Glu1799Asp (NM_006920.6, NM_001353949.2, NM_001353950.2 and 2 more transcripts); c.5430G>T, p.Glu1810Asp (NM_001202435.3, NM_001353948.2); c.5394G>T, p.Glu1798Asp (NM_001353954.2, NM_001353955.2); short protein forms E1782D, E1799D, E1781D, E1810D, E1798D, E996D.
Identifiers: ClinVar variation 2710218 (VCV002710218.3), dbSNP rs765676433, ClinGen allele CA349067612.